The following is an entry in ClinVar:

ClinVar aggregate classification (germline): Benign (1 of 4 stars; one submission).

Allele frequency attached by ClinVar (database versions not stated): 1000 Genomes Project 0.03215; 1000 Genomes Project 30x 0.03295; TOPMed 0.04068; gnomAD 0.04445 and 0.04515.
gnomAD v4.1: 6,728 of 152,054 alleles (4.4%); highest among the groups gnomAD compares: Middle Eastern, 7.8%; 164 homozygotes.

Submission:

GeneDx
Classification: Benign. Last evaluated: 2018-06-19. Review status: criteria provided, single submitter. Criteria: GeneDx Variant Classification (06012015). Collection method: clinical testing. Allele origin: germline. Affected: yes.
Comment: This variant is considered likely benign or benign based on one or more of the following criteria: it is a conservative change, it occurs at a poorly conserved position in the protein, it is predicted to be benign by multiple in silico algorithms, and/or has population frequency not consistent with disease.

NM_001291303.3(FAT4):c.6844-276C>G

Gene: FAT4 (FAT atypical cadherin 4; plus strand). Cytogenetic location: 4q28.1.
Variant type: single nucleotide variant.
Coding change: c.6844-276C>G on transcript NM_001291303.3 (MANE Select); 276 bases into the intron before coding-DNA position 6844, C replaced by G.
Molecular consequence: intron variant.
Genome position (GRCh38, 1-based): chr4:125,416,172, C>G. VCF-style: chr4-125416172-C-G. GRCh37 (hg19) VCF-style: chr4-126337327-C-G.
Other names: c.6844-276C>G (NM_001291285.3, NM_024582.6).
Identifiers: ClinVar variation 671905 (VCV000671905.1), dbSNP rs74829391, ClinGen allele CA104854933.
Genomic context (GRCh38, chr4:125,416,172, plus strand): 5'-TAAAAAACTAAAATGATGGAAATGTTTGAAACTTCGTTATAAATATTGTTCTACTCTTTT[C>G]CTTCATATATTTAACTACCTAGGTGAAACTGCTCTTAAAAATTTTTATGAAGCCTTCCAA-3'